The following is an entry in ClinVar:

ClinVar aggregate classification (germline): Uncertain significance (1 of 4 stars; one submission).

Allele frequency attached by ClinVar (database versions not stated): gnomAD 0.00001.
gnomAD v4.1: 1 of 1,533,360 alleles (0.000065%); highest among the groups gnomAD compares: Non-Finnish European, 0.000087%; no homozygotes.

Submission:

Ambry Genetics
Classification: Uncertain significance. Last evaluated: 2023-12-07. Review status: criteria provided, single submitter. Criteria: Ambry Variant Classification Scheme 2023. Collection method: clinical testing. Allele origin: germline.
Comment: The p.P1989L variant (also known as c.5966C>T), located in coding exon 18 of the POLQ gene, results from a C to T substitution at nucleotide position 5966. The proline at codon 1989 is replaced by leucine, an amino acid with similar properties. This amino acid position is conserved. In addition, the in silico prediction for this alteration is inconclusive. Since supporting evidence is limited at this time, the clinical significance of this alteration remains unclear.

NM_199420.4(POLQ):c.5966C>T (p.Pro1989Leu)

Gene: POLQ (DNA polymerase theta; minus strand). Cytogenetic location: 3q13.33.
Variant type: single nucleotide variant.
Coding change: c.5966C>T on transcript NM_199420.4 (MANE Select); coding-DNA position 5966, C replaced by T.
Protein change: p.Pro1989Leu; replaces proline 1989 with leucine.
Molecular consequence: missense variant.
Genome position (GRCh38, 1-based): chr3:121,483,390, G>A on the plus strand (C>T on the coding strand, the complement: POLQ is on the minus strand). VCF-style: chr3-121483390-G-A. GRCh37 (hg19) VCF-style: chr3-121202237-G-A.
Other names: short protein forms P1989L.
Identifiers: ClinVar variation 3230083 (VCV003230083.1), dbSNP rs1274152368, ClinGen allele CA354088398.
Genomic context (GRCh38, chr3:121,483,390, plus strand): 5'-GAATTAACACTAAAAATGTTGTTTTAAGTATATAAAAATTAAATTAGACATAGAACCTTA[G>A]GATCTTCATAACTTTGCTCCAAGGAGATGCCACAAGAAAGAAGAAGAATTTTATAGCTCT-3'
Protein context (NP_955452.3, residues 1979-1999): GISLEQSYED[Pro1989Leu]KVACWLLDPD